The following is an entry in ClinVar:

ClinVar aggregate classification (germline): Pathogenic/Likely pathogenic. Review status: criteria provided, multiple submitters, no conflicts (2 of 4 stars). 4 submissions from 4 submitters: Pathogenic (2); Likely pathogenic (2). Last evaluated 2025-08-12.

Conditions:
Cardiovascular phenotype. Identifiers: MedGen CN230736.
Arrhythmogenic right ventricular cardiomyopathy (ARVD). Also called: Arrhythmogenic cardiomyopathy; Cardiomyopathy, ARVC; Arrhythmogenic right ventricular dysplasia; Arrhythmogenic Right Ventricular Cardiomyopathy (ARVC). Identifiers: Orphanet 247, MedGen C0349788, MeSH D019571, MONDO:0016587. Disease mechanism: loss of function. Inheritance: Various modes of inheritance.

Submissions (4):

Ambry Genetics
Classification: Pathogenic for Cardiovascular phenotype. Last evaluated: 2025-08-12. Review status: criteria provided, single submitter. Criteria: Ambry Variant Classification Scheme 2023. Collection method: clinical testing. Allele origin: germline.
Comment: The c.4397dupA alteration, located in exon 23 (coding exon 23) of the DSP gene, consists of a duplication of A at position 4397, causing a translational frameshift with a predicted alternate stop codon after 4 amino acids. This alteration is expected to result in loss of function by premature protein truncation or nonsense-mediated mRNA decay. This variant was not reported in population-based cohorts in the Genome Aggregation Database (gnomAD). Based on the available evidence, this alteration is classified as pathogenic.

GeneDx
Classification: Likely pathogenic. Last evaluated: 2025-06-03. Review status: criteria provided, single submitter. Criteria: GeneDx Variant Classification Process June 2021. Collection method: clinical testing. Allele origin: germline. Affected: yes.
Comment: Frameshift variant predicted to result in protein truncation or nonsense mediated decay in a gene for which loss-of-function is a known mechanism of disease; Not observed at significant frequency in large population cohorts (gnomAD); Has not been previously published in association with DSP-related disorders to our knowledge; This variant is associated with the following publications: (PMID: 31447099, 31638835, 33684294)

CeGaT Center for Human Genetics Tuebingen
Classification: Pathogenic. Last evaluated: 2023-02-01. Review status: criteria provided, single submitter. Criteria: CeGaT Center For Human Genetics Tuebingen Variant Classification Criteria Version 2. Collection method: clinical testing. Allele origin: germline. Affected: yes. Observed: 2 variant alleles.

Laboratory for Molecular Medicine, Mass General Brigham Personalized Medicine
Classification: Likely pathogenic for Arrhythmogenic right ventricular cardiomyopathy. Last evaluated: 2017-07-12. Review status: criteria provided, single submitter. Criteria: LMM Criteria. Collection method: clinical testing. Allele origin: germline. Inheritance: Autosomal dominant inheritance. Observed: 2 variant alleles.
Comment: The p.Gln1467AlasfX4 variant in DSP has not been previously reported in individu als with cardiomyopathy or in large population studies. This variant is located within exon 23 of DSP which undergoes alternative splicing resulting in two isof orms: one with a shorter and one with a longer form of this exon. This variant i s only located in the coding region of the longer isoform. In that transcript, t his nonsense variant leads to a premature termination codon at position 1467, wh ich is predicted to lead to a truncated or absent protein. Loss-of-function vari ants in the longer form of exon 23 have been observed in individuals with arrhyt hmogenic right ventricular cardiomyopathy (ARVC) and/or dilated cardiomyopathy ( DCM), suggesting that loss-of-function variants in this region are likely to be disease causing (LMM data). In summary, although additional studies are required to fully establish its clinical significance, the p.Gln1467AlasfX4 variant is l ikely pathogenic autosomal dominant ARVC and/or DCM based upon the predicted imp act to the protein and absence from the general population. ACMG/AMP criteria ap plied: PVS1, PM2.

NM_004415.4(DSP):c.4397dup (p.Gln1467fs)

Gene: DSP (desmoplakin; plus strand). Cytogenetic location: 6p24.3.
Variant type: Duplication.
Coding change: c.4397dup on transcript NM_004415.4 (MANE Select); coding-DNA position 4397, one base duplicated (A; older notation c.4397dupA).
Protein change: p.Gln1467fs; shifts the reading frame from glutamine 1467.
Molecular consequence: frameshift variant. On other transcripts: intron variant (2).
Genome position (GRCh38, 1-based): chr6:7,580,587, A duplicated; the last of 2 consecutive A bases (chr6:7,580,586-7,580,587); duplicating either gives the same sequence. VCF-style (leftmost placement, unchanged base first): chr6-7580585-T-TA. GRCh37 (hg19) VCF-style: chr6-7580818-T-TA.
Other names: c.4397dup (NM_004415.2); c.4050+347dup (NM_001319034.2); c.3582+815dup (NM_001008844.3); c.4397dupA (NM_004415.2); short protein forms Q1467fs.
Identifiers: ClinVar variation 667404 (VCV000667404.40), dbSNP rs1581817513, ClinGen allele CA16622019.